The following is an entry in ClinVar:

ClinVar aggregate classification (germline): Uncertain significance. Review status: criteria provided, multiple submitters, no conflicts (2 of 4 stars). 2 submissions from 2 submitters: Uncertain significance (2). Last evaluated 2023-05-02.

gnomAD v4.1: 1 of 1,607,210 alleles (0.000062%); no homozygotes.

Submissions (2):

GeneDx
Classification: Uncertain significance. Last evaluated: 2023-05-02. Review status: criteria provided, single submitter. Criteria: GeneDx Variant Classification Process June 2021. Collection method: clinical testing. Allele origin: germline. Affected: yes.
Comment: Not observed at significant frequency in large population cohorts (gnomAD); Has not been previously published as pathogenic or benign to our knowledge; In silico analysis suggests this variant may impact gene splicing. In the absence of RNA/functional studies, the actual effect of this sequence change is unknown.

Labcorp Genetics (formerly Invitae), Labcorp
Classification: Uncertain significance. Last evaluated: 2022-08-21. Review status: criteria provided, single submitter. Criteria: Invitae Variant Classification Sherloc (09022015). Collection method: clinical testing. Allele origin: germline.
Comment: This variant is not present in population databases (gnomAD no frequency). In summary, the available evidence is currently insufficient to determine the role of this variant in disease. Therefore, it has been classified as a Variant of Uncertain Significance. Algorithms developed to predict the effect of sequence changes on RNA splicing suggest that this variant may create or strengthen a splice site. This variant has not been reported in the literature in individuals affected with PPP3CA-related conditions. This sequence change affects codon 509 of the PPP3CA mRNA. It is a 'silent' change, meaning that it does not change the encoded amino acid sequence of the PPP3CA protein.

NM_000944.5(PPP3CA):c.1527C>T (p.Gly509=)

Gene: PPP3CA (protein phosphatase 3 catalytic subunit alpha; minus strand). Cytogenetic location: 4q24.
Variant type: single nucleotide variant.
Coding change: c.1527C>T on transcript NM_000944.5 (MANE Select); coding-DNA position 1527, C replaced by T.
Protein change: p.Gly509=; no amino-acid change (glycine 509 retained).
Molecular consequence: synonymous variant.
Genome position (GRCh38, 1-based): chr4:101,025,904, G>A on the plus strand (C>T on the coding strand, the complement: PPP3CA is on the minus strand). VCF-style: chr4-101025904-G-A. GRCh37 (hg19) VCF-style: chr4-101947061-G-A.
Other names: c.1527C>T (NM_000944.4); c.1497C>T, p.Gly499= (NM_001130691.2); c.1371C>T, p.Gly457= (NM_001130692.2).
Identifiers: ClinVar variation 2122658 (VCV002122658.5), dbSNP rs2476197110, ClinGen allele CA440385855.
Genomic context (GRCh38, chr4:101,025,904, plus strand): 5'-AAAAAAGTGAACAGGAAGTGGTCACTGAATATTGCTGCTATTACTGCCATTGCTGTCCGT[G>A]CCGTTAGTCTCTGAGGTGAGAGCCTTGTTGATGGAGTTAAGGTTGGCGTCAGAGGGCATG-3'
Protein context (NP_000935.1, residues 499-519): INKALTSETN[Gly509=]TDSNGSNSSN